The following is an entry in ClinVar:

ClinVar aggregate classification (germline): Conflicting classifications of pathogenicity. Review status: criteria provided, conflicting classifications (1 of 4 stars). 2 submissions from 2 submitters: Uncertain significance (1); Likely benign (1). Last evaluated 2026-01-01.

Conditions:
Inborn genetic diseases. Identifiers: MedGen C0950123, MeSH D030342.

gnomAD v4.1: 394 of 1,175,386 alleles (0.034%); highest among the groups gnomAD compares: South Asian, 0.3%; 2 homozygotes.

Submissions (2):

CeGaT Center for Human Genetics Tuebingen
Classification: Likely benign. Last evaluated: 2026-01-01. Review status: criteria provided, single submitter. Criteria: CeGaT Center For Human Genetics Tuebingen Variant Classification Criteria Version 2. Collection method: clinical testing. Allele origin: germline. Affected: yes. Observed: 1 variant allele.
Comment: KDM4B: BP4, BS1

Ambry Genetics
Classification: Uncertain significance for Inborn genetic diseases. Last evaluated: 2025-02-18. Review status: criteria provided, single submitter. Criteria: Ambry Variant Classification Scheme 2023. Collection method: clinical testing. Allele origin: germline.

NM_015015.3(KDM4B):c.1768C>T (p.Arg590Trp)

Genes: KDM4B (lysine demethylase 4B; plus strand), LOC130063244 (ATAC-STARR-seq lymphoblastoid active region 13796; plus strand). Cytogenetic location: 19p13.3.
Variant type: single nucleotide variant.
Coding change: c.1768C>T on transcript NM_015015.3 (MANE Select); coding-DNA position 1768, C replaced by T.
Protein change: p.Arg590Trp; replaces arginine 590 with tryptophan.
Molecular consequence: missense variant.
Genome position (GRCh38, 1-based): chr19:5,131,528, C>T. VCF-style: chr19-5131528-C-T. GRCh37 (hg19) VCF-style: chr19-5131539-C-T.
Other names: c.1870C>T, p.Arg624Trp (NM_001411148.1); short protein forms R624W, R590W.
Identifiers: ClinVar variation 3863442 (VCV003863442.5).